The following is an entry in ClinVar:

ClinVar aggregate classification (germline): Uncertain significance (1 of 4 stars; one submission).

gnomAD v4.1: 40 of 1,612,264 alleles (0.0025%); highest among the groups gnomAD compares: South Asian, 0.012%; no homozygotes.

Submission:

CeGaT Center for Human Genetics Tuebingen
Classification: Uncertain significance. Last evaluated: 2025-01-01. Review status: criteria provided, single submitter. Criteria: CeGaT Center For Human Genetics Tuebingen Variant Classification Criteria Version 2. Collection method: clinical testing. Allele origin: germline. Affected: yes. Observed: 1 variant allele.
Comment: HYDIN: PM2, BP4

NM_001270974.2(HYDIN):c.4931G>A (p.Arg1644His)

Gene: HYDIN (HYDIN axonemal central pair apparatus protein; minus strand). Cytogenetic location: 16q22.2.
Variant type: single nucleotide variant.
Coding change: c.4931G>A on transcript NM_001270974.2 (MANE Select); coding-DNA position 4931, G replaced by A.
Protein change: p.Arg1644His; replaces arginine 1644 with histidine.
Molecular consequence: missense variant.
Genome position (GRCh38, 1-based): chr16:70,974,279, C>T on the plus strand (G>A on the coding strand, the complement: HYDIN is on the minus strand). VCF-style: chr16-70974279-C-T. GRCh37 (hg19) VCF-style: chr16-71008182-C-T.
Other names: short protein forms R1644H.
Identifiers: ClinVar variation 3771372 (VCV003771372.13).